The following is an entry in ClinVar:

ClinVar aggregate classification (germline): Uncertain significance (1 of 4 stars; one submission).

Allele frequency attached by ClinVar (database versions not stated): TOPMed below 0.00001.
gnomAD v4.1: 4 of 1,613,926 alleles (0.00025%); highest among the groups gnomAD compares: South Asian, 0.0011%; no homozygotes.

Submission:

Labcorp Genetics (formerly Invitae), Labcorp
Classification: Uncertain significance. Last evaluated: 2022-12-12. Review status: criteria provided, single submitter. Criteria: Invitae Variant Classification Sherloc (09022015). Collection method: clinical testing. Allele origin: germline.
Comment: This sequence change replaces arginine, which is basic and polar, with cysteine, which is neutral and slightly polar, at codon 792 of the MYO6 protein (p.Arg792Cys). This variant is not present in population databases (gnomAD no frequency). This variant has not been reported in the literature in individuals affected with MYO6-related conditions. Advanced modeling of protein sequence and biophysical properties (such as structural, functional, and spatial information, amino acid conservation, physicochemical variation, residue mobility, and thermodynamic stability) has been performed at Invitae for this missense variant, however the output from this modeling did not meet the statistical confidence thresholds required to predict the impact of this variant on MYO6 protein function. In summary, the available evidence is currently insufficient to determine the role of this variant in disease. Therefore, it has been classified as a Variant of Uncertain Significance.

NM_004999.4(MYO6):c.2374C>T (p.Arg792Cys)

Gene: MYO6 (myosin VI; plus strand). Cytogenetic location: 6q14.1.
Variant type: single nucleotide variant.
Coding change: c.2374C>T on transcript NM_004999.4 (MANE Select); coding-DNA position 2374, C replaced by T.
Protein change: p.Arg792Cys; replaces arginine 792 with cysteine.
Molecular consequence: missense variant. On other transcripts: non-coding transcript variant (1).
Genome position (GRCh38, 1-based): chr6:75,881,776, C>T. VCF-style: chr6-75881776-C-T. GRCh37 (hg19) VCF-style: chr6-76591493-C-T.
Other names: c.2374C>T, p.Arg792Cys (NM_001300899.2, NM_001368136.1, NM_001368137.1 and 2 more transcripts); c.2359C>T, p.Arg787Cys (NM_001368138.1); short protein forms R787C, R792C.
Identifiers: ClinVar variation 2869682 (VCV002869682.3), dbSNP rs1778050091, ClinGen allele CA364774433.
Genomic context (GRCh38, chr6:75,881,776, plus strand): 5'-TCTGACCCTGACCACTTAGCAGAGTTGGTTAAAAGAGTCAATCACTGGCTCACATGCAGT[C>T]GCTGGAAGAAAGTTCAGTGGTGCTCACTCTCAGTCATCAAATGTAGGTGTTTTCCTTTAC-3'
Protein context (NP_004990.3, residues 782-802): KRVNHWLTCS[Arg792Cys]WKKVQWCSLS